The following is an entry in ClinVar:

ClinVar aggregate classification (germline): Pathogenic/Likely pathogenic. Review status: no assertion criteria provided (0 of 4 stars). 2 submissions from 2 submitters: Pathogenic (1); Likely pathogenic (1). Last evaluated 2021-04-06.

Conditions:
Macular dystrophy. Identifiers: MedGen C0730292, HP:0007754.

Submissions (2):

Leiden Open Variation Database
Classification: Pathogenic. Last evaluated: 2021-04-06. Review status: no assertion criteria provided. Collection method: curation. Allele origin: germline. Affected: yes.
Comment: Curator: Global Variome, with Curator vacancy. Submitter to LOVD: Manon Peeters.

Department of Clinical Genetics, Copenhagen University Hospital, Rigshospitalet
Classification: Likely pathogenic for Macular dystrophy. Last evaluated: 2018-04-01. Review status: no assertion criteria provided. Collection method: research. Allele origin: unknown. Affected: yes. Study: VeluxRD.

Literature cited by the submitters: PubMed 30718709 (cited by Leiden Open Variation Database and Department of Clinical Genetics, Copenhagen University Hospital, Rigshospitalet).

NM_000322.5(PRPH2):c.276dup (p.Arg93fs)

Gene: PRPH2 (peripherin 2; minus strand). Cytogenetic location: 6p21.1.
Variant type: Duplication.
Coding change: c.276dup on transcript NM_000322.5 (MANE Select); coding-DNA position 276, one base duplicated (C; older notation c.276dupC).
Protein change: p.Arg93fs; shifts the reading frame from arginine 93.
Molecular consequence: frameshift variant.
Genome position (GRCh38, 1-based): chr6:42,722,059, G duplicated on the plus strand (C on the coding strand, the reverse complement: PRPH2 is on the minus strand); the first of 2 consecutive G bases (chr6:42,722,059-42,722,060); duplicating either gives the same sequence. VCF-style (leftmost placement, unchanged base first): chr6-42722058-T-TG. GRCh37 (hg19) VCF-style: chr6-42689796-T-TG.
Other names: short protein forms R93fs.
Identifiers: ClinVar variation 636073 (VCV000636073.3), dbSNP rs1582780842, ClinGen allele CA915944255.